The following is an entry in ClinVar:

ClinVar aggregate classification (germline): Uncertain significance (1 of 4 stars; one submission).

Allele frequency attached by ClinVar (database versions not stated): ExAC 0.00002.
gnomAD v4.1: 20 of 1,614,168 alleles (0.0012%); highest among the groups gnomAD compares: Non-Finnish European, 0.0017%; no homozygotes.

Submission:

Labcorp Genetics (formerly Invitae), Labcorp
Classification: Uncertain significance. Last evaluated: 2022-07-09. Review status: criteria provided, single submitter. Criteria: Invitae Variant Classification Sherloc (09022015). Collection method: clinical testing. Allele origin: germline.
Comment: This variant is present in population databases (rs759571823, gnomAD 0.002%). This sequence change replaces histidine, which is basic and polar, with proline, which is neutral and non-polar, at codon 579 of the CEP63 protein (p.His579Pro). This variant has not been reported in the literature in individuals affected with CEP63-related conditions. Algorithms developed to predict the effect of missense changes on protein structure and function are either unavailable or do not agree on the potential impact of this missense change (SIFT: "Deleterious"; PolyPhen-2: "Benign"; Align-GVGD: "Class C0"). In summary, the available evidence is currently insufficient to determine the role of this variant in disease. Therefore, it has been classified as a Variant of Uncertain Significance.

NM_001353108.3(CEP63):c.1736A>C (p.His579Pro)

Gene: CEP63 (centrosomal protein 63; plus strand). Cytogenetic location: 3q22.2.
Variant type: single nucleotide variant.
Coding change: c.1736A>C on transcript NM_001353108.3 (MANE Select); coding-DNA position 1736, A replaced by C.
Protein change: p.His579Pro; replaces histidine 579 with proline.
Molecular consequence: missense variant. On other transcripts: non-coding transcript variant (3), intron variant (17).
Genome position (GRCh38, 1-based): chr3:134,559,212, A>C. VCF-style: chr3-134559212-A-C. GRCh37 (hg19) VCF-style: chr3-134278054-A-C.
Other names: c.1598A>C, p.His533Pro (NM_001353109.1); c.1736A>C, p.His579Pro (NM_025180.5); c.1467+7200A>C (NM_001353113.1, NM_001353117.2); c.1329+7200A>C (NM_001042384.2, NM_001353124.2, NM_001353123.2); c.1330-2165A>C (NM_001353122.1, NM_001042383.2, NM_001353121.2 and 2 more transcripts); c.1468-2165A>C (NM_001353110.1, NM_001353112.2, NM_001353111.2 and 1 more transcripts); c.1357-2165A>C (NM_001353118.1); c.967-2165A>C (NM_001353126.2); and 1 more; short protein forms H579P, H533P.
Identifiers: ClinVar variation 1949635 (VCV001949635.5), dbSNP rs759571823, ClinGen allele CA2628774.